The following is an entry in ClinVar:

NM_005188.4(CBL):c.1962A>G (p.Leu654=)

Gene: CBL (Cbl proto-oncogene; plus strand). Cytogenetic location: 11q23.3.
Variant type: single nucleotide variant.
Coding change: c.1962A>G on transcript NM_005188.4 (MANE Select); coding-DNA position 1962, A replaced by G.
Protein change: p.Leu654=; no amino-acid change (leucine 654 retained).
Molecular consequence: synonymous variant.
Genome position (GRCh38, 1-based): chr11:119,287,872, A>G. VCF-style: chr11-119287872-A-G. GRCh37 (hg19) VCF-style: chr11-119158582-A-G.
Identifiers: ClinVar variation 162836 (VCV000162836.6), dbSNP rs727502915, ClinGen allele CA175408.

ClinVar aggregate classification (germline): Likely benign. Review status: criteria provided, multiple submitters, no conflicts (2 of 4 stars). 3 submissions from 3 submitters: Likely benign (3). Last evaluated 2025-12-21.

Conditions:
Cardiovascular phenotype. Identifiers: MedGen CN230736.
RASopathy. Also called: rasopathies; Noonan spectrum disorder. Identifiers: Orphanet 536391, MedGen C5555857, MONDO:0021060.

Submissions (3):

Labcorp Genetics (formerly Invitae), Labcorp
Classification: Likely benign for RASopathy. Last evaluated: 2025-12-21. Review status: criteria provided, single submitter. Criteria: Invitae Variant Classification Sherloc (09022015). Collection method: clinical testing. Allele origin: germline.

Ambry Genetics
Classification: Likely benign for Cardiovascular phenotype. Last evaluated: 2025-03-12. Review status: criteria provided, single submitter. Criteria: Ambry Variant Classification Scheme 2023. Collection method: clinical testing. Allele origin: germline.

Laboratory for Molecular Medicine, Mass General Brigham Personalized Medicine
Classification: Likely benign. Last evaluated: 2013-10-21. Review status: criteria provided, single submitter. Criteria: LMM Criteria. Collection method: clinical testing. Allele origin: germline. Observed: 2 variant alleles.
Comment: This variant has not been previously reported in th e literature or in large population studies. Although several computational tool s suggest that the variant creates an alternate 5' splice site, the accuracy of these tools is unknown. In summary, this variant is not expected to have clinica l significance because it does not alter an amino acid residue, it is not locate d within the splice consensus sequence, and it was identified in an unaffected p arent.